The following is an entry in ClinVar:

NM_176869.3(PPA2):c.587A>G (p.Asp196Gly)

Gene: PPA2 (inorganic pyrophosphatase 2; minus strand). Cytogenetic location: 4q24.
Variant type: single nucleotide variant.
Coding change: c.587A>G on transcript NM_176869.3 (MANE Select); coding-DNA position 587, A replaced by G.
Protein change: p.Asp196Gly; replaces aspartic acid 196 with glycine.
Molecular consequence: missense variant. On other transcripts: intron variant (1).
Genome position (GRCh38, 1-based): chr4:105,424,264, T>C on the plus strand (A>G on the coding strand, the complement: PPA2 is on the minus strand). VCF-style: chr4-105424264-T-C. GRCh37 (hg19) VCF-style: chr4-106345421-T-C.
Other names: c.500A>G, p.Asp167Gly (NM_006903.4); c.281A>G, p.Asp94Gly (NM_176866.2); c.158-25100A>G (NM_176867.3); short protein forms D196G, D167G, D94G.
Identifiers: ClinVar variation 1395747 (VCV001395747.8), dbSNP rs2110270001, ClinGen allele CA357795291.

ClinVar aggregate classification (germline): Uncertain significance (1 of 4 stars; one submission).

Allele frequency attached by ClinVar (database versions not stated): gnomAD exomes below 0.00001.
gnomAD v4.1: 1 of 1,607,832 alleles (0.000062%); highest among the groups gnomAD compares: South Asian, 0.0011%; no homozygotes.

Submission:

Labcorp Genetics (formerly Invitae), Labcorp
Classification: Uncertain significance. Last evaluated: 2022-03-18. Review status: criteria provided, single submitter. Criteria: Invitae Variant Classification Sherloc (09022015). Collection method: clinical testing. Allele origin: germline.
Comment: Algorithms developed to predict the effect of sequence changes on RNA splicing suggest that this variant may create or strengthen a splice site. Algorithms developed to predict the effect of missense changes on protein structure and function (SIFT, PolyPhen-2, Align-GVGD) all suggest that this variant is likely to be disruptive. This variant has not been reported in the literature in individuals affected with PPA2-related conditions. This variant is not present in population databases (gnomAD no frequency). This sequence change replaces aspartic acid, which is acidic and polar, with glycine, which is neutral and non-polar, at codon 196 of the PPA2 protein (p.Asp196Gly). In summary, the available evidence is currently insufficient to determine the role of this variant in disease. Therefore, it has been classified as a Variant of Uncertain Significance.